The following is an entry in ClinVar:

ClinVar aggregate classification (germline): Uncertain significance. Review status: criteria provided, multiple submitters, no conflicts (2 of 4 stars). 2 submissions from 2 submitters: Uncertain significance (2). Last evaluated 2025-11-11.

Conditions:
Orofaciodigital syndrome I (OFD1). Also called: OFDS I; Papillon-Leage and Psaume Syndrome; Oral-Facial-Digital Syndrome Type I. Identifiers: Orphanet 2750, MedGen C1510460, MONDO:0010702, OMIM 311200.
Joubert syndrome. Also called: JOUBERT-BOLTSHAUSER SYNDROME; Familial aplasia of the vermis. Identifiers: Orphanet 475, MedGen C5979921, MONDO:0018772.
Primary ciliary dyskinesia. Also called: Ciliary dyskinesia. Identifiers: Orphanet 244, MedGen C0008780, MONDO:0016575, HP:0012265.

Allele frequency attached by ClinVar (database versions not stated): gnomAD exomes below 0.00001; ExAC 0.00001; gnomAD 0.00001.
gnomAD v4.1: 6 of 1,209,449 alleles (0.0005%); highest among the groups gnomAD compares: Non-Finnish European, 0.00067%; no homozygotes.

Submissions (2):

Labcorp Genetics (formerly Invitae), Labcorp
Classification: Uncertain significance for Orofaciodigital syndrome I; Joubert syndrome. Last evaluated: 2025-11-11. Review status: criteria provided, single submitter. Criteria: Invitae Variant Classification Sherloc (09022015). Collection method: clinical testing. Allele origin: germline.
Comment: This sequence change replaces isoleucine, which is neutral and non-polar, with methionine, which is neutral and non-polar, at codon 45 of the OFD1 protein (p.Ile45Met). This variant is present in population databases (rs756179851, gnomAD 0.001%). This variant has not been reported in the literature in individuals affected with OFD1-related conditions. ClinVar contains an entry for this variant (Variation ID: 2928309). Invitae Evidence Modeling of protein sequence and biophysical properties (such as structural, functional, and spatial information, amino acid conservation, physicochemical variation, residue mobility, and thermodynamic stability) indicates that this missense variant is not expected to disrupt OFD1 protein function with a negative predictive value of 80%. In summary, the available evidence is currently insufficient to determine the role of this variant in disease. Therefore, it has been classified as a Variant of Uncertain Significance.

Ambry Genetics
Classification: Uncertain significance for Primary ciliary dyskinesia. Last evaluated: 2024-11-09. Review status: criteria provided, single submitter. Criteria: Ambry Variant Classification Scheme 2023. Collection method: clinical testing. Allele origin: germline.

NM_003611.3(OFD1):c.135T>G (p.Ile45Met)

Gene: OFD1 (OFD1 centriole and centriolar satellite protein; plus strand). Cytogenetic location: Xp22.2.
Variant type: single nucleotide variant.
Coding change: c.135T>G on transcript NM_003611.3 (MANE Select); coding-DNA position 135, T replaced by G.
Protein change: p.Ile45Met; replaces isoleucine 45 with methionine.
Molecular consequence: missense variant. On other transcripts: 5 prime UTR variant (1).
Genome position (GRCh38, 1-based): chrX:13,736,501, T>G. VCF-style: chrX-13736501-T-G. GRCh37 (hg19) VCF-style: chrX-13754620-T-G.
Other names: c.135T>G (NM_003611.2); c.135T>G, p.Ile45Met (NM_001330209.2); c.-411T>G (NM_001330210.2); short protein forms I45M.
Identifiers: ClinVar variation 2928309 (VCV002928309.4), dbSNP rs756179851, ClinGen allele CA10351534.